The following is an entry in ClinVar:

NM_001369.3(DNAH5):c.640C>T (p.Gln214Ter)

Gene: DNAH5 (dynein axonemal heavy chain 5; minus strand). Cytogenetic location: 5p15.2.
Variant type: single nucleotide variant.
Coding change: c.640C>T on transcript NM_001369.3 (MANE Select); coding-DNA position 640, C replaced by T.
Protein change: p.Gln214Ter; replaces glutamine 214 with a stop codon.
Molecular consequence: nonsense.
Genome position (GRCh38, 1-based): chr5:13,922,127, G>A on the plus strand (C>T on the coding strand, the complement: DNAH5 is on the minus strand). VCF-style: chr5-13922127-G-A. GRCh37 (hg19) VCF-style: chr5-13922236-G-A.
Other names: short protein forms Q214*.
Identifiers: ClinVar variation 2771558 (VCV002771558.3), dbSNP rs2547155495, ClinGen allele CA359222105.
Genomic context (GRCh38, chr5:13,922,127, plus strand): 5'-CACCTGATCATTTTTAAAGGAACAGCTTATTCGTCCTCACCTTCTCCTTCAGACTCTCCT[G>A]TGCACCCGACAGGACGTTCACAAAGCCTTCCAGGGAGCTCAAGAACTCCTGGCGAATGTT-3'

ClinVar aggregate classification (germline): Pathogenic (1 of 4 stars; one submission).

Conditions:
Primary ciliary dyskinesia. Also called: Ciliary dyskinesia. Identifiers: Orphanet 244, MedGen C0008780, MONDO:0016575, HP:0012265.

Allele frequency attached by ClinVar (database versions not stated): gnomAD exomes below 0.00001.
gnomAD v4.1: 2 of 1,614,022 alleles (0.00012%); highest among the groups gnomAD compares: Non-Finnish European, 0.00017%; no homozygotes.

Submission:

Labcorp Genetics (formerly Invitae), Labcorp
Classification: Pathogenic for Primary ciliary dyskinesia. Last evaluated: 2023-10-24. Review status: criteria provided, single submitter. Criteria: Invitae Variant Classification Sherloc (09022015). Collection method: clinical testing. Allele origin: germline.
Comment: This sequence change creates a premature translational stop signal (p.Gln214*) in the DNAH5 gene. It is expected to result in an absent or disrupted protein product. Loss-of-function variants in DNAH5 are known to be pathogenic (PMID: 11788826, 16627867). This variant is not present in population databases (gnomAD no frequency). This variant has not been reported in the literature in individuals affected with DNAH5-related conditions. For these reasons, this variant has been classified as Pathogenic.

Literature cited by the submitters: PubMed 11788826; PubMed 16627867.